The following is an entry in ClinVar:

NM_012431.3(SEMA3E):c.2206G>A (p.Asp736Asn)

Gene: SEMA3E (semaphorin 3E; minus strand). Cytogenetic location: 7q21.11.
Variant type: single nucleotide variant.
Coding change: c.2206G>A on transcript NM_012431.3 (MANE Select); coding-DNA position 2206, G replaced by A.
Protein change: p.Asp736Asn; replaces aspartic acid 736 with asparagine.
Molecular consequence: missense variant.
Genome position (GRCh38, 1-based): chr7:83,367,708, C>T on the plus strand (G>A on the coding strand, the complement: SEMA3E is on the minus strand). VCF-style: chr7-83367708-C-T. GRCh37 (hg19) VCF-style: chr7-82997024-C-T.
Other names: c.2026G>A, p.Asp676Asn (NM_001178129.2); short protein forms D676N, D736N.
Identifiers: ClinVar variation 4771632 (VCV004771632.1).
Genomic context (GRCh38, chr7:83,367,708, plus strand): 5'-CCTGAGGGTTGGCATACTTCCACTTGGAGGGTGACATTTTAAGCTTTTTCCTCTTTCTAT[C>T]TGTGCACCATACTTTCTCGCAGTATTCTTCCACTCTCTGGAAGTTGCTATAACCGATCAG-3'
Protein context (NP_036563.1, residues 726-746): EEYCEKVWCT[Asp736Asn]RKRKKLKMSP

ClinVar aggregate classification (germline): Uncertain significance (1 of 4 stars; one submission).

Conditions:
CHARGE syndrome (CHARGE). Also called: Hittner Hirsch Kreh syndrome; CHARGE ASSOCIATION--COLOBOMA, HEART ANOMALY, CHOANAL ATRESIA, RETARDATION, GENITAL AND EAR ANOMALIES; Coloboma, heart anomaly, choanal atresia, retardation, genital and ear anomalies; CHARGE association; Hall-Hittner syndrome. Identifiers: Orphanet 138, MedGen C0265354, MONDO:0008965.

Submission:

Labcorp Genetics (formerly Invitae), Labcorp
Classification: Uncertain significance for CHARGE syndrome. Last evaluated: 2025-07-14. Review status: criteria provided, single submitter. Criteria: Invitae Variant Classification Sherloc (09022015). Collection method: clinical testing. Allele origin: germline.
Comment: This sequence change replaces aspartic acid, which is acidic and polar, with asparagine, which is neutral and polar, at codon 736 of the SEMA3E protein (p.Asp736Asn). This variant is not present in population databases (gnomAD no frequency). This variant has not been reported in the literature in individuals affected with SEMA3E-related conditions. An algorithm developed to predict the effect of missense changes on protein structure and function (PolyPhen-2) suggests that this variant is likely to be tolerated. In summary, the available evidence is currently insufficient to determine the role of this variant in disease. Therefore, it has been classified as a Variant of Uncertain Significance.